The following is an entry in ClinVar:

NM_005956.4(MTHFD1):c.1127+4T>C

Gene: MTHFD1 (methylenetetrahydrofolate dehydrogenase, cyclohydrolase and formyltetrahydrofolate synthetase 1; plus strand). Cytogenetic location: 14q23.3.
Variant type: single nucleotide variant.
Coding change: c.1127+4T>C on transcript NM_005956.4 (MANE Select); 4 bases into the intron after coding-DNA position 1127, T replaced by C.
Molecular consequence: intron variant.
Genome position (GRCh38, 1-based): chr14:64,426,196, T>C. VCF-style: chr14-64426196-T-C. GRCh37 (hg19) VCF-style: chr14-64892914-T-C.
Other names: c.1127+4T>C (NM_001364837.1).
Identifiers: ClinVar variation 1439468 (VCV001439468.6), dbSNP rs2140964225, ClinGen allele CA2573150031.
Genomic context (GRCh38, chr14:64,426,196, plus strand): 5'-GTCAGCACTAGAACGCCTGAAGCACCGGCCTGATGGGAAATACGTGGTGGTGACTGGGTA[T>C]GCTTTTTATTCATGTTGCCATCCAAATCTTAGTATCAGTCCTGATACTAAGGCGTTGCAT-3'

ClinVar aggregate classification (germline): Uncertain significance (1 of 4 stars; one submission).

Submission:

Labcorp Genetics (formerly Invitae), Labcorp
Classification: Uncertain significance. Last evaluated: 2024-10-28. Review status: criteria provided, single submitter. Criteria: Invitae Variant Classification Sherloc (09022015). Collection method: clinical testing. Allele origin: germline.
Comment: This sequence change falls in intron 11 of the MTHFD1 gene. It does not directly change the encoded amino acid sequence of the MTHFD1 protein. It affects a nucleotide within the consensus splice site. This variant is not present in population databases (gnomAD no frequency). This variant has not been reported in the literature in individuals affected with MTHFD1-related conditions. ClinVar contains an entry for this variant (Variation ID: 1439468). Variants that disrupt the consensus splice site are a relatively common cause of aberrant splicing (PMID: 17576681, 9536098). Algorithms developed to predict the effect of sequence changes on RNA splicing suggest that this variant is not likely to affect RNA splicing. In summary, the available evidence is currently insufficient to determine the role of this variant in disease. Therefore, it has been classified as a Variant of Uncertain Significance.

Literature cited by the submitters: PubMed 17576681; PubMed 9536098.